The following is an entry in ClinVar:

NM_001370466.1(NOD2):c.2732A>G (p.Asn911Ser)

Gene: NOD2 (nucleotide binding oligomerization domain containing 2; plus strand). Cytogenetic location: 16q12.1.
Variant type: single nucleotide variant.
Coding change: c.2732A>G on transcript NM_001370466.1 (MANE Select); coding-DNA position 2732, A replaced by G.
Protein change: p.Asn911Ser; replaces asparagine 911 with serine.
Molecular consequence: missense variant. On other transcripts: non-coding transcript variant (1).
Genome position (GRCh38, 1-based): chr16:50,723,315, A>G. VCF-style: chr16-50723315-A-G. GRCh37 (hg19) VCF-style: chr16-50757226-A-G.
Other names: c.2732A>G, p.Asn911Ser (NM_001293557.2); c.2813A>G, p.Asn938Ser (NM_022162.3); short protein forms N911S, N938S.
Identifiers: ClinVar variation 3762600 (VCV003762600.2).

ClinVar aggregate classification (germline): Uncertain significance (1 of 4 stars; one submission).

Conditions:
Regional enteritis. Also called: Enteritis, Granulomatous. Identifiers: MedGen C0678202, MeSH D003424.
Blau syndrome (BLAUS). Also called: ARTHROCUTANEOUVEAL GRANULOMATOSIS; GRANULOMATOSIS, FAMILIAL JUVENILE SYSTEMIC; GRANULOMATOSIS, FAMILIAL, BLAU TYPE; GRANULOMATOUS INFLAMMATORY ARTHRITIS, DERMATITIS, AND UVEITIS, FAMILIAL; JABS SYNDROME. Identifiers: Orphanet 90340, MedGen C5201146, MONDO:0008523, OMIM 186580.

gnomAD v4.1: 3 of 1,613,924 alleles (0.00019%); highest among the groups gnomAD compares: Admixed American, 0.005%; no homozygotes.

Submission:

Labcorp Genetics (formerly Invitae), Labcorp
Classification: Uncertain significance for Regional enteritis; Blau syndrome. Last evaluated: 2024-04-30. Review status: criteria provided, single submitter. Criteria: Invitae Variant Classification Sherloc (09022015). Collection method: clinical testing. Allele origin: germline.
Comment: This sequence change replaces asparagine, which is neutral and polar, with serine, which is neutral and polar, at codon 938 of the NOD2 protein (p.Asn938Ser). This variant is present in population databases (rs770924038, gnomAD 0.006%). This variant has not been reported in the literature in individuals affected with NOD2-related conditions. Advanced modeling of protein sequence and biophysical properties (such as structural, functional, and spatial information, amino acid conservation, physicochemical variation, residue mobility, and thermodynamic stability) performed at Invitae indicates that this missense variant is not expected to disrupt NOD2 protein function with a negative predictive value of 95%. In summary, the available evidence is currently insufficient to determine the role of this variant in disease. Therefore, it has been classified as a Variant of Uncertain Significance.